The following is an entry in ClinVar:

ClinVar aggregate classification (germline): Likely pathogenic (1 of 4 stars; one submission).

Conditions:
Cornelia de Lange syndrome 1 (CDLS1). Also called: Brachmann de Lange syndrome; NIPBL-Related Cornelia de Lange Syndrome; TYPUS DEGENERATIVUS AMSTELODAMENSIS. Identifiers: Orphanet 199, MedGen C4551851, MONDO:0007387, OMIM 122470.

Submission:

Labcorp Genetics (formerly Invitae), Labcorp
Classification: Likely pathogenic for Cornelia de Lange syndrome 1. Last evaluated: 2022-06-09. Review status: criteria provided, single submitter. Criteria: Invitae Variant Classification Sherloc (09022015). Collection method: clinical testing. Allele origin: germline.
Comment: This variant disrupts the p.Ala2390 amino acid residue in NIPBL. Other variant(s) that disrupt this residue have been determined to be pathogenic (PMID: 15318302, 23505322; Invitae). This suggests that this residue is clinically significant, and that variants that disrupt this residue are likely to be disease-causing. Advanced modeling of protein sequence and biophysical properties (such as structural, functional, and spatial information, amino acid conservation, physicochemical variation, residue mobility, and thermodynamic stability) performed at Invitae indicates that this missense variant is expected to disrupt NIPBL protein function. This variant has not been reported in the literature in individuals affected with NIPBL-related conditions. This variant is not present in population databases (gnomAD no frequency). This sequence change replaces alanine, which is neutral and non-polar, with valine, which is neutral and non-polar, at codon 2390 of the NIPBL protein (p.Ala2390Val). In summary, the currently available evidence indicates that the variant is pathogenic, but additional data are needed to prove that conclusively. Therefore, this variant has been classified as Likely Pathogenic.

Literature cited by the submitters: PubMed 15318302; PubMed 23505322.

NM_133433.4(NIPBL):c.7169C>T (p.Ala2390Val)

Gene: NIPBL (NIPBL cohesin loading factor; plus strand). Cytogenetic location: 5p13.2.
Variant type: single nucleotide variant.
Coding change: c.7169C>T on transcript NM_133433.4 (MANE Select); coding-DNA position 7169, C replaced by T.
Protein change: p.Ala2390Val; replaces alanine 2390 with valine.
Molecular consequence: missense variant.
Genome position (GRCh38, 1-based): chr5:37,052,472, C>T. VCF-style: chr5-37052472-C-T. GRCh37 (hg19) VCF-style: chr5-37052574-C-T.
Other names: c.7169C>T, p.Ala2390Val (NM_015384.5); short protein forms A2390V.
Identifiers: ClinVar variation 2004082 (VCV002004082.4), dbSNP rs2478658527, ClinGen allele CA359511567.